The following is an entry in ClinVar:

NM_130837.3(OPA1):c.1822T>A (p.Trp608Arg)

Genes: OPA1 (OPA1 mitochondrial dynamin like GTPase; plus strand), LOC126806913 (BRD4-independent group 4 enhancer GRCh37_chr3:193364377-193365576; plus strand). Cytogenetic location: 3q29.
Variant type: single nucleotide variant.
Coding change: c.1822T>A on transcript NM_130837.3 (MANE Select); coding-DNA position 1822, T replaced by A.
Protein change: p.Trp608Arg; replaces tryptophan 608 with arginine.
Molecular consequence: missense variant.
Genome position (GRCh38, 1-based): chr3:193,647,132, T>A. VCF-style: chr3-193647132-T-A. GRCh37 (hg19) VCF-style: chr3-193364921-T-A.
Other names: c.1288T>A, p.Trp430Arg (NM_001354663.2); c.1285T>A, p.Trp429Arg (NM_001354664.2); c.1657T>A, p.Trp553Arg (NM_015560.3); c.1549T>A, p.Trp517Arg (NM_130831.3); c.1603T>A, p.Trp535Arg (NM_130832.3); c.1660T>A, p.Trp554Arg (NM_130833.3); c.1711T>A, p.Trp571Arg (NM_130834.3); c.1714T>A, p.Trp572Arg (NM_130835.3); and 1 more; short protein forms W429R, W535R, W554R, W590R, W517R, W571R, W572R, W608R.
Identifiers: ClinVar variation 4994207 (VCV004994207.1).

ClinVar aggregate classification (germline): Uncertain significance (1 of 4 stars; one submission).

Conditions:
OPA1-related disorder. Also called: OPA1-related disorders; OPA1-related condition.

Submission:

PreventionGenetics, part of Exact Sciences
Classification: Uncertain significance for OPA1-related condition. Last evaluated: 2025-09-08. Review status: criteria provided, single submitter. Criteria: ACMG Guidelines, 2015. Collection method: clinical testing. Allele origin: germline.
Comment: The OPA1 c.1822T>A variant is predicted to result in the amino acid substitution p.Trp608Arg. To our knowledge, this variant has not been reported in the literature. This missense variant is predicted damaging to the encoded protein (Liu et al. 2016. PMID:26555599). This variant is absent in a large population database (gnomAD), indicating this variant is rare. Although we suspect that this variant may be pathogenic, at this time, the clinical significance of this variant is uncertain due to the absence of conclusive functional and genetic evidence.